The following is an entry in ClinVar:

ClinVar aggregate classification (germline): Uncertain significance. Review status: criteria provided, multiple submitters, no conflicts (2 of 4 stars). 2 submissions from 2 submitters: Uncertain significance (2). Last evaluated 2025-07-20.

Conditions:
Brachydactyly type C (BDC). Identifiers: Orphanet 93384, MedGen C1862103, MONDO:0007221, OMIM 113100, HP:0009373.
Type A2 brachydactyly (BDA2). Also called: BRACHYMESOPHALANGY II; Brachymesophalangy type 2; MOHR-WRIEDT TYPE BRACHYDACTYLY. Identifiers: Orphanet 93396, MedGen C1832702, MONDO:0007216, OMIM 112600, HP:0009372.
Brachydactyly type A1C. Also called: Brachydactyly, type a1, c. Identifiers: Orphanet 93388, MedGen C3554446, MONDO:0014032, OMIM 615072.

Allele frequency attached by ClinVar (database versions not stated): TOPMed 0.00014; ESP Exome Variant Server 0.00015.
gnomAD v4.1: 353 of 1,612,878 alleles (0.022%); highest among the groups gnomAD compares: Non-Finnish European, 0.029%; no homozygotes.

Submissions (2):

Labcorp Genetics (formerly Invitae), Labcorp
Classification: Uncertain significance. Last evaluated: 2025-07-20. Review status: criteria provided, single submitter. Criteria: Invitae Variant Classification Sherloc (09022015). Collection method: clinical testing. Allele origin: germline.
Comment: This sequence change replaces proline, which is neutral and non-polar, with leucine, which is neutral and non-polar, at codon 51 of the GDF5 protein (p.Pro51Leu). This variant is present in population databases (rs142244310, gnomAD 0.03%). This variant has not been reported in the literature in individuals affected with GDF5-related conditions. ClinVar contains an entry for this variant (Variation ID: 2082619). An algorithm developed to predict the effect of missense changes on protein structure and function (PolyPhen-2) suggests that this variant is likely to be tolerated. In summary, the available evidence is currently insufficient to determine the role of this variant in disease. Therefore, it has been classified as a Variant of Uncertain Significance.

Clinical Genomics Laboratory, Washington University in St. Louis
Classification: Uncertain significance for Brachydactyly type A1C; Type A2 brachydactyly; Brachydactyly type C. Last evaluated: 2025-01-24. Review status: criteria provided, single submitter. Criteria: ACMG Guidelines, 2015. Collection method: clinical testing. Allele origin: germline.
Comment: The GDF5 c.152C>T (p.Pro51Leu) variant, to our knowledge, has not been reported in the medical literature. The highest population minor allele frequency in the population database genome aggregation database (v.2.1.1) is 0.028% in the European non-Finnish population. Computational predictors suggest that the variant does not impact on GDF5 function. This variant does not reside within the active domain, where many of the clinically significant missense variants associated with brachydactyly reside (Everman DB et al., PMID: 12357473; Genovesi ML et al., PMID: 33333243). This variant has been reported in the ClinVar database as a germline variant of uncertain significance by a single submitter. Due to limited information, and based on ACMG/AMP guidelines for variant interpretation (Richards S et al., PMID: 25741868), the clinical significance of this variant is uncertain at this time.

NM_000557.5(GDF5):c.152C>T (p.Pro51Leu)

Gene: GDF5 (growth differentiation factor 5; minus strand). Cytogenetic location: 20q11.22.
Variant type: single nucleotide variant.
Coding change: c.152C>T on transcript NM_000557.5 (MANE Select); coding-DNA position 152, C replaced by T.
Protein change: p.Pro51Leu; replaces proline 51 with leucine.
Molecular consequence: missense variant.
Genome position (GRCh38, 1-based): chr20:35,437,777, G>A on the plus strand (C>T on the coding strand, the complement: GDF5 is on the minus strand). VCF-style: chr20-35437777-G-A. GRCh37 (hg19) VCF-style: chr20-34025557-G-A.
Other names: c.152C>T, p.Pro51Leu (NM_001319138.2); short protein forms P51L.
Identifiers: ClinVar variation 2082619 (VCV002082619.3), dbSNP rs142244310, ClinGen allele CA9832424.